The following is an entry in ClinVar:

NM_017633.3(TENT5A):c.790G>T (p.Val264Phe)

Gene: TENT5A (terminal nucleotidyltransferase 5A; minus strand). Cytogenetic location: 6q14.1.
Variant type: single nucleotide variant.
Coding change: c.790G>T on transcript NM_017633.3 (MANE Select); coding-DNA position 790, G replaced by T.
Protein change: p.Val264Phe; replaces valine 264 with phenylalanine.
Molecular consequence: missense variant.
Genome position (GRCh38, 1-based): chr6:81,750,234, C>A on the plus strand (G>T on the coding strand, the complement: TENT5A is on the minus strand). VCF-style: chr6-81750234-C-A. GRCh37 (hg19) VCF-style: chr6-82459951-C-A.
Other names: short protein forms V264F.
Identifiers: ClinVar variation 1029627 (VCV001029627.7), dbSNP rs202213843, ClinGen allele CA3902954.

ClinVar aggregate classification (germline): Uncertain significance. Review status: criteria provided, multiple submitters, no conflicts (2 of 4 stars). 4 submissions from 4 submitters: Uncertain significance (4). Last evaluated 2025-10-02.

Conditions:
Osteogenesis imperfecta, type 18. Also called: OSTEOGENESIS IMPERFECTA, TYPE XVIII. Identifiers: MedGen C4693736, MONDO:0044329, OMIM 617952.

Allele frequency attached by ClinVar (database versions not stated): gnomAD 0.00006 and 0.00008; ESP Exome Variant Server 0.00008; ExAC 0.00011; gnomAD exomes 0.00011; TOPMed 0.00011.
gnomAD v4.1: 115 of 1,614,052 alleles (0.0071%); highest among the groups gnomAD compares: Middle Eastern, 0.18%; no homozygotes.

Submissions (4):

Labcorp Genetics (formerly Invitae), Labcorp
Classification: Uncertain significance. Last evaluated: 2025-10-02. Review status: criteria provided, single submitter. Criteria: Invitae Variant Classification Sherloc (09022015). Collection method: clinical testing. Allele origin: germline.
Comment: This sequence change replaces valine, which is neutral and non-polar, with phenylalanine, which is neutral and non-polar, at codon 264 of the FAM46A protein (p.Val264Phe). This variant is present in population databases (rs202213843, gnomAD 0.07%). This variant has not been reported in the literature in individuals affected with FAM46A-related conditions. ClinVar contains an entry for this variant (Variation ID: 1029627). Invitae Evidence Modeling of protein sequence and biophysical properties (such as structural, functional, and spatial information, amino acid conservation, physicochemical variation, residue mobility, and thermodynamic stability) indicates that this missense variant is not expected to disrupt FAM46A protein function with a negative predictive value of 80%. In summary, the available evidence is currently insufficient to determine the role of this variant in disease. Therefore, it has been classified as a Variant of Uncertain Significance.

Ambry Genetics
Classification: Uncertain significance. Last evaluated: 2024-07-15. Review status: criteria provided, single submitter. Criteria: Ambry Variant Classification Scheme 2023. Collection method: clinical testing. Allele origin: germline.

Baylor Genetics
Classification: Uncertain significance for Osteogenesis imperfecta, type 18. Last evaluated: 2019-08-26. Review status: criteria provided, single submitter. Criteria: ACMG Guidelines, 2015. Collection method: clinical testing. Allele origin: unknown. Affected: yes.
Comment: This variant was determined to be of uncertain significance according to ACMG Guidelines, 2015 [PMID:25741868].

Breakthrough Genomics
Classification: Uncertain significance. Review status: criteria provided, single submitter. Criteria: ACMG Guidelines, 2015. Collection method: not provided. Allele origin: germline. Inheritance: Autosomal recessive inheritance. Affected: yes.